The following is an entry in ClinVar:

ClinVar aggregate classification (germline): Likely pathogenic. Review status: reviewed by expert panel (3 of 4 stars). 2 submissions from 2 submitters: Likely pathogenic (1). 1 of the submissions does not count toward it. Last evaluated 2024-12-02.

Conditions:
Monogenic diabetes. Identifiers: Orphanet 183625, MedGen C3888631, MONDO:0015967.

Submissions (2):

ClinGen Monogenic Diabetes Variant Curation Expert Panel
Classification: Likely pathogenic for Monogenic diabetes. Last evaluated: 2024-12-02. Review status: reviewed by expert panel. Criteria: ClinGen Diabetes ACMG Specifications HNF4A V2.0.0. Collection method: curation. Allele origin: germline. Inheritance: Autosomal dominant inheritance.
Comment: The c.994C>T variant in the hepatocyte nuclear factor 4 alpha gene, HNF4A, results in a premature termination at codon 332 (p.(Gln332Ter)) of NM_175914.5. This variant is absent from gnomAD v2.1.1 (PM2_Supporting). This variant, located in biologically-relevant exon 8 of 10, is predicted to lead to nonsense mediated decay in a gene in which loss-of-function is an established disease mechanism (PVS1; PMID: 23348805). This variant was identified in an individual with non-autoimmune and non-absolute/near-absolute insulin-deficient diabetes; however, PP4 cannot be applied because of limited clinical information (internal lab contributors). This variant segregated with diabetes with one informative meiosis in a single family; however, this does not meet the thresholds for PP1 set by the ClinGen MDEP (internal lab contributors). In summary, c.994C>T meets the criteria to be classified as likely pathogenic for monogenic diabetes. ACMG/AMP criteria applied, as specified by the ClinGen MDEP VCEP (specification version 2.0.0, approved 10/11/2023): PVS1, PM2_Supporting.

GeneDx
Classification: Pathogenic. Last evaluated: 2024-05-28. Review status: criteria provided, single submitter. Criteria: GeneDx Variant Classification Process June 2021. Collection method: clinical testing. Allele origin: germline. Affected: yes. Not counted in ClinVar's aggregate classification.
Comment: Reported in a family with maturity-onset diabetes of the young in the literature, although additional clinical information and familial segregation data were not provided (PMID: 23348805); Nonsense variant predicted to result in protein truncation or nonsense mediated decay in a gene for which loss of function is a known mechanism of disease; Not observed at significant frequency in large population cohorts (gnomAD); This variant is associated with the following publications: (PMID: 23348805)

NM_175914.5(HNF4A):c.994C>T (p.Gln332Ter)

Gene: HNF4A (hepatocyte nuclear factor 4 alpha; plus strand). Cytogenetic location: 20q13.12.
Variant type: single nucleotide variant.
Coding change: c.994C>T on transcript NM_175914.5 (MANE Select); coding-DNA position 994, C replaced by T.
Protein change: p.Gln332Ter; replaces glutamine 332 with a stop codon.
Molecular consequence: nonsense.
Genome position (GRCh38, 1-based): chr20:44,424,185, C>T. VCF-style: chr20-44424185-C-T. GRCh37 (hg19) VCF-style: chr20-43052825-C-T.
Other names: NM_175914.5:c.994C>T; c.1060C>T, p.Gln354Ter (NM_000457.6, NM_178849.3, NM_178850.3); c.994C>T, p.Gln332Ter (NM_001030003.3, NM_001030004.3); c.1039C>T, p.Gln347Ter (NM_001258355.2); c.985C>T, p.Gln329Ter (NM_001287182.2, NM_001287183.2, NM_001287184.2); short protein forms Q329*, Q332*, Q347*, Q354*.
Identifiers: ClinVar variation 3383754 (VCV003383754.1).